The following is an entry in ClinVar:

ClinVar aggregate classification (germline): Uncertain significance (1 of 4 stars; one submission).

Conditions:
Medulloblastoma (MDB). Also called: Medulloblastoma, somatic; MEDULLOBLASTOMA PREDISPOSITION SYNDROME. Identifiers: Orphanet 616, MedGen C0025149, MeSH D008527, MONDO:0007959, OMIM 155255, HP:0002885.
Gorlin syndrome. Also called: Nevoid Basal Cell Carcinoma Syndrome; Basal cell nevus syndrome. Identifiers: Orphanet 377, MedGen C0004779, MONDO:0007187.

Allele frequency attached by ClinVar (database versions not stated): TOPMed below 0.00001.

Submission:

Labcorp Genetics (formerly Invitae), Labcorp
Classification: Uncertain significance for Gorlin syndrome; Medulloblastoma. Last evaluated: 2024-04-25. Review status: criteria provided, single submitter. Criteria: Invitae Variant Classification Sherloc (09022015). Collection method: clinical testing. Allele origin: germline.
Comment: This sequence change replaces proline, which is neutral and non-polar, with serine, which is neutral and polar, at codon 85 of the SUFU protein (p.Pro85Ser). This variant is not present in population databases (gnomAD no frequency). This variant has not been reported in the literature in individuals affected with SUFU-related conditions. ClinVar contains an entry for this variant (Variation ID: 971300). Advanced modeling of protein sequence and biophysical properties (such as structural, functional, and spatial information, amino acid conservation, physicochemical variation, residue mobility, and thermodynamic stability) performed at Invitae indicates that this missense variant is not expected to disrupt SUFU protein function with a negative predictive value of 80%. In summary, the available evidence is currently insufficient to determine the role of this variant in disease. Therefore, it has been classified as a Variant of Uncertain Significance.

NM_016169.4(SUFU):c.253C>T (p.Pro85Ser)

Gene: SUFU (SUFU negative regulator of hedgehog signaling; plus strand). Cytogenetic location: 10q24.32.
Variant type: single nucleotide variant.
Coding change: c.253C>T on transcript NM_016169.4 (MANE Select); coding-DNA position 253, C replaced by T.
Protein change: p.Pro85Ser; replaces proline 85 with serine.
Molecular consequence: missense variant.
Genome position (GRCh38, 1-based): chr10:102,509,239, C>T. VCF-style: chr10-102509239-C-T. GRCh37 (hg19) VCF-style: chr10-104268996-C-T.
Other names: c.253C>T, p.Pro85Ser (NM_001178133.2); short protein forms P85S.
Identifiers: ClinVar variation 971300 (VCV000971300.10), dbSNP rs1187640052, ClinGen allele CA377888733.
Genomic context (GRCh38, chr10:102,509,239, plus strand): 5'-CCAGACCCCTTGGACTATGTTAGCATGTACAGGAATGTGGGGAGCCCTTCTGCTAACATC[C>T]CCGAGCACTGGCACTACATCAGCTTCGGCCTGAGTGATCTCTATGGTGACAACAGAGTCC-3'
Protein context (NP_057253.2, residues 75-95): RNVGSPSANI[Pro85Ser]EHWHYISFGL